The following is an entry in ClinVar:

NM_020738.4(KIDINS220):c.481_482delinsTT (p.Ala161Phe)

Gene: KIDINS220 (kinase D interacting substrate 220; minus strand). Cytogenetic location: 2p25.1.
Variant type: Indel.
Coding change: c.481_482delinsTT on transcript NM_020738.4 (MANE Select); coding-DNA positions 481 to 482, GC replaced by TT.
Protein change: p.Ala161Phe; replaces alanine 161 with phenylalanine.
Molecular consequence: missense variant. On other transcripts: non-coding transcript variant (2).
Genome position (GRCh38, 1-based): chr2:8,812,417-8,812,418, GC replaced by AA on the plus strand (GC replaced by TT on the coding strand, the reverse complement: KIDINS220 is on the minus strand). VCF-style: chr2-8812417-GC-AA. GRCh37 (hg19) VCF-style: chr2-8952547-GC-AA.
Other names: c.484_485delinsTT, p.Ala162Phe (NM_001348729.2, NM_001348731.2, NM_001348734.2 and 3 more transcripts); c.481_482delinsTT, p.Ala161Phe (NM_001348732.2, NM_001348735.2, NM_001348738.2 and 3 more transcripts); c.355_356delinsTT, p.Ala119Phe (NM_001348736.2); short protein forms A119F, A161F, A162F.
Identifiers: ClinVar variation 3347414 (VCV003347414.3).
Genomic context (GRCh38, chr2:8,812,417, plus strand): 5'-AACATGGACTGGAACCTGAAAAGATGCTGCTGACCTACCTTATCAGAGCAGTTGACTTTA[GC>AA]ACCATTTTGCAGTAAAAGATGAACTATATCTGCATGGCCTCTCCCTGCTGCCCAAATGAT-3'
Protein context (NP_065789.1, residues 151-171): DIVHLLLQNG[Ala161Phe]KVNCSDKYGT

ClinVar aggregate classification (germline): Uncertain significance. Review status: criteria provided, single submitter (1 of 4 stars). 2 submissions from 2 submitters: Uncertain significance (1). 1 of the submissions does not count toward it. Last evaluated 2024-07-06.

Conditions:
KIDINS220-related disorder. Also called: KIDINS220-related condition.

Submissions (2):

Labcorp Genetics (formerly Invitae), Labcorp
Classification: Uncertain significance. Last evaluated: 2024-07-06. Review status: criteria provided, single submitter. Criteria: Invitae Variant Classification Sherloc (09022015). Collection method: clinical testing. Allele origin: germline.
Comment: This sequence change replaces alanine, which is neutral and non-polar, with phenylalanine, which is neutral and non-polar, at codon 161 of the KIDINS220 protein (p.Ala161Phe). Information on the frequency of this variant in the gnomAD database is not available, as this variant may be reported differently in the database. This variant has not been reported in the literature in individuals affected with KIDINS220-related conditions. An algorithm developed to predict the effect of missense changes on protein structure and function (PolyPhen-2) suggests that this variant is likely to be disruptive. In summary, the available evidence is currently insufficient to determine the role of this variant in disease. Therefore, it has been classified as a Variant of Uncertain Significance.

PreventionGenetics, part of Exact Sciences
Classification: Uncertain significance for KIDINS220-related condition. Last evaluated: 2024-08-14. Review status: no assertion criteria provided. Collection method: clinical testing. Allele origin: germline. Not counted in ClinVar's aggregate classification.
Comment: The KIDINS220 c.481_482delinsTT variant is predicted to result in an in-frame deletion and insertion. To our knowledge, this variant has not been reported in the literature or in a large population database, indicating this variant is rare. At this time, the clinical significance of this variant is uncertain due to the absence of conclusive functional and genetic evidence.